The following is an entry in ClinVar:

NC_000023.11:g.(?_31729631)_(31932227_?)del

Gene: DMD (dystrophin; minus strand). Cytogenetic location: Xp21.1.
Variant type: Deletion.
Identifiers: ClinVar variation 832653 (VCV000832653.1).

ClinVar aggregate classification (germline): Pathogenic (1 of 4 stars; one submission).

Conditions:
Duchenne muscular dystrophy (DMD). Also called: Duchenne Muscular Dystrophy (DMD); MUSCULAR DYSTROPHY, PSEUDOHYPERTROPHIC PROGRESSIVE, DUCHENNE TYPE. Identifiers: Orphanet 98896, MedGen C0013264, MONDO:0010679, OMIM 310200.

Submission:

Labcorp Genetics (formerly Invitae), Labcorp
Classification: Pathogenic for Duchenne muscular dystrophy. Last evaluated: 2019-09-13. Review status: criteria provided, single submitter. Criteria: Invitae Variant Classification Sherloc (09022015). Collection method: clinical testing. Allele origin: germline.
Comment: This variant is an out-of-frame deletion of the genomic region encompassing exons 46-52 of the DMD gene. This is expected to create a premature translational stop signal and result in an absent or disrupted protein product. A similar deletion of exons 46-52 has been reported as de novo or inherited in individuals affected with Duchenne muscular dystrophy (PMID: 12754415, 9007319). Loss-of-function variants in DMD are known to be pathogenic (PMID: 16770791, 25007885). For these reasons, this variant has been classified as Pathogenic.

Literature cited by the submitters: PubMed 9007319; PubMed 12754415.